The following is an entry in ClinVar:

ClinVar aggregate classification (germline): Uncertain significance (1 of 4 stars; one submission).

Conditions:
Encephalopathy, acute, infection-induced (herpes-specific), susceptibility to, 1. Also called: Herpes simplex encephalitis, susceptibility to, 1. Identifiers: Orphanet 1930, MedGen C2750180, MONDO:0024563, OMIM 610551.

Submission:

Labcorp Genetics (formerly Invitae), Labcorp
Classification: Uncertain significance for Encephalopathy, acute, infection-induced (herpes-specific), susceptibility to, 1. Last evaluated: 2024-08-28. Review status: criteria provided, single submitter. Criteria: Invitae Variant Classification Sherloc (09022015). Collection method: clinical testing. Allele origin: germline.
Comment: This sequence change replaces tryptophan, which is neutral and slightly polar, with cysteine, which is neutral and slightly polar, at codon 656 of the TLR3 protein (p.Trp656Cys). This variant is not present in population databases (gnomAD no frequency). This variant has not been reported in the literature in individuals affected with TLR3-related conditions. An algorithm developed to predict the effect of missense changes on protein structure and function (PolyPhen-2) suggests that this variant is likely to be disruptive. In summary, the available evidence is currently insufficient to determine the role of this variant in disease. Therefore, it has been classified as a Variant of Uncertain Significance.

NM_003265.3(TLR3):c.1968G>C (p.Trp656Cys)

Gene: TLR3 (toll like receptor 3; plus strand). Cytogenetic location: 4q35.1.
Variant type: single nucleotide variant.
Coding change: c.1968G>C on transcript NM_003265.3 (MANE Select); coding-DNA position 1968, G replaced by C.
Protein change: p.Trp656Cys; replaces tryptophan 656 with cysteine.
Molecular consequence: missense variant.
Genome position (GRCh38, 1-based): chr4:186,083,654, G>C. VCF-style: chr4-186083654-G-C. GRCh37 (hg19) VCF-style: chr4-187004808-G-C.
Other names: short protein forms W656C.
Identifiers: ClinVar variation 3663593 (VCV003663593.2).